The following is an entry in ClinVar:

ClinVar aggregate classification (germline): Uncertain significance. Review status: criteria provided, multiple submitters, no conflicts (2 of 4 stars). 2 submissions from 2 submitters: Uncertain significance (2). Last evaluated 2025-08-22.

Conditions:
Familial thoracic aortic aneurysm and aortic dissection (TAAD). Also called: Thoracic aortic aneurysms and dissections. Identifiers: Orphanet 91387, MedGen C4707243, MONDO:0019625.
Aortic aneurysm, familial thoracic 7 (AAT7). Also called: AORTIC DISSECTION, FAMILIAL, WITH OR WITHOUT AORTIC ANEURYSM. Identifiers: MedGen C3151077, MONDO:0013418, OMIM 613780.

Submissions (2):

Ambry Genetics
Classification: Uncertain significance for Familial thoracic aortic aneurysm and aortic dissection. Last evaluated: 2025-08-22. Review status: criteria provided, single submitter. Criteria: Ambry Variant Classification Scheme 2023. Collection method: clinical testing. Allele origin: germline.

Labcorp Genetics (formerly Invitae), Labcorp
Classification: Uncertain significance for Aortic aneurysm, familial thoracic 7. Last evaluated: 2025-06-27. Review status: criteria provided, single submitter. Criteria: Invitae Variant Classification Sherloc (09022015). Collection method: clinical testing. Allele origin: germline.
Comment: This sequence change replaces glycine, which is neutral and non-polar, with aspartic acid, which is acidic and polar, at codon 494 of the MYLK protein (p.Gly494Asp). This variant is not present in population databases (gnomAD no frequency). This variant has not been reported in the literature in individuals affected with MYLK-related conditions. Invitae Evidence Modeling of protein sequence and biophysical properties (such as structural, functional, and spatial information, amino acid conservation, physicochemical variation, residue mobility, and thermodynamic stability) indicates that this missense variant is not expected to disrupt MYLK protein function with a negative predictive value of 95%. In summary, the available evidence is currently insufficient to determine the role of this variant in disease. Therefore, it has been classified as a Variant of Uncertain Significance.

NM_053025.4(MYLK):c.1481G>A (p.Gly494Asp)

Gene: MYLK (myosin light chain kinase; minus strand). Cytogenetic location: 3q21.1.
Variant type: single nucleotide variant.
Coding change: c.1481G>A on transcript NM_053025.4 (MANE Select); coding-DNA position 1481, G replaced by A.
Protein change: p.Gly494Asp; replaces glycine 494 with aspartic acid.
Molecular consequence: missense variant. On other transcripts: intron variant (2).
Genome position (GRCh38, 1-based): chr3:123,732,931, C>T on the plus strand (G>A on the coding strand, the complement: MYLK is on the minus strand). VCF-style: chr3-123732931-C-T. GRCh37 (hg19) VCF-style: chr3-123451778-C-T.
Other names: c.953G>A, p.Gly318Asp (NM_001321309.2); c.1481G>A, p.Gly494Asp (NM_053027.4); c.1309+756G>A (NM_053028.4, NM_053026.4); short protein forms G318D, G494D.
Identifiers: ClinVar variation 4115076 (VCV004115076.2).